The following is an entry in ClinVar:

NM_015213.4(DENND5A):c.2864C>T (p.Pro955Leu)

Gene: DENND5A (DENN domain containing 5A; minus strand). Cytogenetic location: 11p15.4.
Variant type: single nucleotide variant.
Coding change: c.2864C>T on transcript NM_015213.4 (MANE Select); coding-DNA position 2864, C replaced by T.
Protein change: p.Pro955Leu; replaces proline 955 with leucine.
Molecular consequence: missense variant. On other transcripts: non-coding transcript variant (1).
Genome position (GRCh38, 1-based): chr11:9,145,809, G>A on the plus strand (C>T on the coding strand, the complement: DENND5A is on the minus strand). VCF-style: chr11-9145809-G-A. GRCh37 (hg19) VCF-style: chr11-9167356-G-A.
Other names: c.2864C>T, p.Pro955Leu (NM_001243254.2); c.2792C>T, p.Pro931Leu (NM_001348749.2); c.2576C>T, p.Pro859Leu (NM_001348750.2); short protein forms P859L, P931L, P955L.
Identifiers: ClinVar variation 1302254 (VCV001302254.2), dbSNP rs375787613, ClinGen allele CA5877197.

ClinVar aggregate classification (germline): Uncertain significance (1 of 4 stars; one submission).

Allele frequency attached by ClinVar (database versions not stated): ESP Exome Variant Server 0.00008; ExAC 0.00001.
gnomAD v4.1: 7 of 1,614,154 alleles (0.00043%); highest among the groups gnomAD compares: East Asian, 0.0045%; no homozygotes.

Submission:

GeneDx
Classification: Uncertain significance. Last evaluated: 2019-04-11. Review status: criteria provided, single submitter. Criteria: GeneDx Variant Classification Process June 2021. Collection method: clinical testing. Allele origin: germline. Affected: yes.
Comment: In silico analysis, which includes protein predictors and evolutionary conservation, supports a deleterious effect; Has not been previously published as pathogenic or benign to our knowledge